The following is an entry in ClinVar:

NM_015627.3(LDLRAP1):c.*1115C>T

Gene: LDLRAP1 (low density lipoprotein receptor adaptor protein 1; plus strand). Cytogenetic location: 1p36.11.
Variant type: single nucleotide variant.
Coding change: c.*1115C>T on transcript NM_015627.3 (MANE Select); 1115 bases downstream of the stop codon, C replaced by T.
Molecular consequence: 3 prime UTR variant.
Genome position (GRCh38, 1-based): chr1:25,568,107, C>T. VCF-style: chr1-25568107-C-T. GRCh37 (hg19) VCF-style: chr1-25894598-C-T.
Identifiers: ClinVar variation 297008 (VCV000297008.5), dbSNP rs41307931, ClinGen allele CA10610014.

ClinVar aggregate classification (germline): Likely benign (1 of 4 stars; one submission).

Conditions:
Hypercholesterolemia, familial, 4 (FHCL4). Also called: HYPERCHOLESTEROLEMIA, AUTOSOMAL RECESSIVE, 1; HYPERCHOLESTEROLEMIA, AUTOSOMAL RECESSIVE, 2. Identifiers: Orphanet 391665, MedGen C1863512, MONDO:0011374, OMIM 603813.

Allele frequency attached by ClinVar (database versions not stated): 1000 Genomes Project 30x 0.00062; 1000 Genomes Project 0.00080; TOPMed 0.00218; gnomAD 0.00245 and 0.00254; gnomAD exomes 0.01157.
gnomAD v4.1: 374 of 152,730 alleles (0.24%); highest among the groups gnomAD compares: Non-Finnish European, 0.41%; 2 homozygotes.

Submission:

Illumina Laboratory Services, Illumina
Classification: Likely benign for Hypercholesterolemia, familial, 4. Last evaluated: 2018-01-13. Review status: criteria provided, single submitter. Criteria: ICSL Variant Classification Criteria 13 December 2019. Collection method: clinical testing. Allele origin: germline.
Comment: This variant was observed in the ICSL laboratory as part of a predisposition screen in an ostensibly healthy population. It had not been previously curated by ICSL or reported in the Human Gene Mutation Database (HGMD: prior to June 1st, 2018), and was therefore a candidate for classification through an automated scoring system. Utilizing variant allele frequency, disease prevalence and penetrance estimates, and inheritance mode, an automated score was calculated to assess if this variant is too frequent to cause the disease. Based on the score and internal cut-off values, a variant classified as likely benign is not then subjected to further curation. The score for this variant resulted in a classification of likely benign for this disease.